The following is an entry in ClinVar:

NM_006031.6(PCNT):c.1907G>A (p.Arg636His)

Gene: PCNT (pericentrin; plus strand). Cytogenetic location: 21q22.3.
Variant type: single nucleotide variant.
Coding change: c.1907G>A on transcript NM_006031.6 (MANE Select); coding-DNA position 1907, G replaced by A.
Protein change: p.Arg636His; replaces arginine 636 with histidine.
Molecular consequence: missense variant.
Genome position (GRCh38, 1-based): chr21:46,355,597, G>A. VCF-style: chr21-46355597-G-A. GRCh37 (hg19) VCF-style: chr21-47775512-G-A.
Other names: c.1907G>A (NM_006031.5); c.1553G>A, p.Arg518His (NM_001315529.2); short protein forms R518H, R636H.
Identifiers: ClinVar variation 1908123 (VCV001908123.7), dbSNP rs201188810, ClinGen allele CA10078805.

ClinVar aggregate classification (germline): Conflicting classifications of pathogenicity. Review status: criteria provided, conflicting classifications (1 of 4 stars). 3 submissions from 3 submitters: Uncertain significance (1); Likely benign (2). Last evaluated 2026-01-26.

Conditions:
PCNT-related disorder. Also called: PCNT-related condition.
Inborn genetic diseases. Identifiers: MedGen C0950123, MeSH D030342.

Allele frequency attached by ClinVar (database versions not stated): gnomAD 0.00006; 1000 Genomes Project 30x 0.00031; 1000 Genomes Project 0.00040.
gnomAD v4.1: 41 of 1,614,010 alleles (0.0025%); highest among the groups gnomAD compares: East Asian, 0.033%; 1 homozygote.

Submissions (3):

Labcorp Genetics (formerly Invitae), Labcorp
Classification: Likely benign. Last evaluated: 2026-01-26. Review status: criteria provided, single submitter. Criteria: Invitae Variant Classification Sherloc (09022015). Collection method: clinical testing. Allele origin: germline.

Ambry Genetics
Classification: Likely benign for Inborn genetic diseases. Last evaluated: 2025-08-31. Review status: criteria provided, single submitter. Criteria: Ambry Variant Classification Scheme 2023. Collection method: clinical testing. Allele origin: germline.

PreventionGenetics, part of Exact Sciences
Classification: Uncertain significance for PCNT-related condition. Last evaluated: 2024-10-14. Review status: criteria provided, single submitter. Criteria: ACMG Guidelines, 2015. Collection method: clinical testing. Allele origin: germline.
Comment: The PCNT c.1907G>A variant is predicted to result in the amino acid substitution p.Arg636His. To our knowledge, this variant has not been reported in the literature. This variant is reported in 0.070% of alleles in individuals of East Asian descent in gnomAD. Although we suspect that this variant may be benign, at this time, the clinical significance of this variant is uncertain due to the absence of conclusive functional and genetic evidence.